The following is an entry in ClinVar:

ClinVar aggregate classification (germline): Pathogenic (1 of 4 stars; one submission).

Conditions:
Ellis-van Creveld syndrome (EVC). Also called: EVC-Related Ellis-van Creveld Syndrome; EVC2-Related Ellis-van Creveld Syndrome; MESOECTODERMAL DYSPLASIA; Chondroectodermal dysplasia. Identifiers: Orphanet 289, MedGen C0013903, MONDO:0009162, OMIM 225500.
Curry-Hall syndrome (WAD). Also called: WEYERS ACRODENTAL DYSOSTOSIS. Identifiers: Orphanet 952, MedGen C0457013, MONDO:0008673, OMIM 193530.

Submission:

Labcorp Genetics (formerly Invitae), Labcorp
Classification: Pathogenic for Curry-Hall syndrome; Ellis-van Creveld syndrome. Last evaluated: 2023-09-04. Review status: criteria provided, single submitter. Criteria: Invitae Variant Classification Sherloc (09022015). Collection method: clinical testing. Allele origin: germline.
Comment: For these reasons, this variant has been classified as Pathogenic. This variant has not been reported in the literature in individuals affected with EVC2-related conditions. This variant is not present in population databases (gnomAD no frequency). This sequence change creates a premature translational stop signal (p.Glu778Argfs*29) in the EVC2 gene. It is expected to result in an absent or disrupted protein product. Loss-of-function variants in EVC2 are known to be pathogenic (PMID: 17024374, 19810119, 19876929).

Literature cited by the submitters: PubMed 17024374; PubMed 19810119; PubMed 19876929.

NM_147127.5(EVC2):c.2332del (p.Glu778fs)

Gene: EVC2 (EvC ciliary complex subunit 2; minus strand). Cytogenetic location: 4p16.2.
Variant type: Deletion.
Coding change: c.2332del on transcript NM_147127.5 (MANE Select); coding-DNA position 2332, one base deleted (G; older notation c.2332delG).
Protein change: p.Glu778fs; shifts the reading frame from glutamic acid 778.
Molecular consequence: frameshift variant.
Genome position (GRCh38, 1-based): chr4:5,622,706, C deleted on the plus strand (G on the coding strand, the reverse complement: EVC2 is on the minus strand); the first of 2 consecutive C bases (chr4:5,622,706-5,622,707); deleting either gives the same sequence. VCF-style (leftmost placement, unchanged base first): chr4-5622705-TC-T. GRCh37 (hg19) VCF-style: chr4-5624432-TC-T.
Other names: c.2092del, p.Glu698fs (NM_001166136.2); short protein forms E698fs, E778fs.
Identifiers: ClinVar variation 2951605 (VCV002951605.3), dbSNP rs2475374658, ClinGen allele CA2740091133.